The following is an entry in ClinVar:

ClinVar aggregate classification (germline): Uncertain significance. Review status: criteria provided, multiple submitters, no conflicts (2 of 4 stars). 6 submissions from 6 submitters: Uncertain significance (6). Last evaluated 2025-08-09.

Conditions:
Familial thoracic aortic aneurysm and aortic dissection (TAAD). Also called: Thoracic aortic aneurysms and dissections. Identifiers: Orphanet 91387, MedGen C4707243, MONDO:0019625.
Aneurysm-osteoarthritis syndrome. Also called: SMAD3-Related Loeys-Dietz Syndrome; Loeys-Dietz syndrome, type 1C; ANEURYSMS-OSTEOARTHRITIS SYNDROME; LOEYS-DIETZ SYNDROME WITH OSTEOARTHRITIS. Identifiers: Orphanet 284984, MedGen C3151087, MONDO:0013426, OMIM 613795.

Allele frequency attached by ClinVar (database versions not stated): gnomAD exomes below 0.00001 and 0.00001; TOPMed 0.00001.
gnomAD v4.1: 14 of 1,613,658 alleles (0.00087%); highest among the groups gnomAD compares: African/African-American, 0.0013%; no homozygotes.

Submissions (6):

Ambry Genetics
Classification: Uncertain significance for Familial thoracic aortic aneurysm and aortic dissection. Last evaluated: 2025-08-09. Review status: criteria provided, single submitter. Criteria: Ambry Variant Classification Scheme 2023. Collection method: clinical testing. Allele origin: germline.
Comment: The p.R323C variant (also known as c.967C>T), located in coding exon 7 of the SMAD3 gene, results from a C to T substitution at nucleotide position 967. The arginine at codon 323 is replaced by cysteine, an amino acid with highly dissimilar properties. This amino acid position is conserved. In addition, this alteration is predicted to be deleterious by in silico analysis. Based on the available evidence, the clinical significance of this variant remains unclear.

Labcorp Genetics (formerly Invitae), Labcorp
Classification: Uncertain significance for Familial thoracic aortic aneurysm and aortic dissection. Last evaluated: 2025-07-27. Review status: criteria provided, single submitter. Criteria: Invitae Variant Classification Sherloc (09022015). Collection method: clinical testing. Allele origin: germline.
Comment: This sequence change replaces arginine, which is basic and polar, with cysteine, which is neutral and slightly polar, at codon 323 of the SMAD3 protein (p.Arg323Cys). This variant is present in population databases (no rsID available, gnomAD 0.0009%). This variant has not been reported in the literature in individuals affected with SMAD3-related conditions. ClinVar contains an entry for this variant (Variation ID: 1332103). Invitae Evidence Modeling of protein sequence and biophysical properties (such as structural, functional, and spatial information, amino acid conservation, physicochemical variation, residue mobility, and thermodynamic stability) indicates that this missense variant is not expected to disrupt SMAD3 protein function with a negative predictive value of 80%. In summary, the available evidence is currently insufficient to determine the role of this variant in disease. Therefore, it has been classified as a Variant of Uncertain Significance.

Color Diagnostics, LLC DBA Color Health
Classification: Uncertain significance for Familial thoracic aortic aneurysm and aortic dissection. Last evaluated: 2024-03-06. Review status: criteria provided, single submitter. Criteria: ACMG Guidelines, 2015. Collection method: clinical testing. Allele origin: germline.
Comment: This missense variant replaces arginine with cysteine at codon 323 of the SMAD3 protein. Computational prediction suggests that this variant may have deleterious impact on protein structure and function (internally defined REVEL score threshold >= 0.7, PMID: 27666373). To our knowledge, functional studies have not been reported for this variant. This variant has not been reported in individuals affected with cardiovascular disorders in the literature. This variant has been identified in 1/251444 chromosomes in the general population by the Genome Aggregation Database (gnomAD). The available evidence is insufficient to determine the role of this variant in disease conclusively. Therefore, this variant is classified as a Variant of Uncertain Significance.

Women's Health and Genetics/Laboratory Corporation of America, LabCorp
Classification: Uncertain significance. Last evaluated: 2022-04-11. Review status: criteria provided, single submitter. Criteria: LabCorp Variant Classification Summary - May 2015. Collection method: clinical testing. Allele origin: germline.
Comment: Variant summary: SMAD3 c.967C>T (p.Arg323Cys) results in a non-conservative amino acid change in the encoded protein sequence. Five of five in-silico tools predict a damaging effect of the variant on protein function. The variant allele was found at a frequency of 4e-06 in 251444 control chromosomes. The available data on variant occurrences in the general population are insufficient to allow any conclusion about variant significance. To our knowledge, no occurrence of c.967C>T in individuals affected with Loeys-Dietz Syndrome and no experimental evidence demonstrating its impact on protein function have been reported. Co-occurrences with other pathogenic variant(s) have been reported (FBN1 c.5885A>G, p.Tyr1962Cys), providing supporting evidence for a benign role. One clinical diagnostic laboratory has submitted clinical-significance assessments for this variant to ClinVar after 2014 without evidence for independent evaluation and classified the variant as uncertain significance. Based on the evidence outlined above, the variant was classified as uncertain significance.

Fulgent Genetics
Classification: Uncertain significance for Aneurysm-osteoarthritis syndrome. Last evaluated: 2021-08-20. Review status: criteria provided, single submitter. Criteria: ACMG Guidelines, 2015. Collection method: clinical testing. Allele origin: unknown.

Blueprint Genetics
Classification: Uncertain significance. Last evaluated: 2021-08-02. Review status: criteria provided, single submitter. Criteria: ACMG Guidelines, 2015. Collection method: clinical testing. Allele origin: germline.

NM_005902.4(SMAD3):c.967C>T (p.Arg323Cys)

Gene: SMAD3 (SMAD family member 3; plus strand). Cytogenetic location: 15q22.33.
Variant type: single nucleotide variant.
Coding change: c.967C>T on transcript NM_005902.4 (MANE Select); coding-DNA position 967, C replaced by T.
Protein change: p.Arg323Cys; replaces arginine 323 with cysteine.
Molecular consequence: missense variant.
Genome position (GRCh38, 1-based): chr15:67,184,822, C>T. VCF-style: chr15-67184822-C-T. GRCh37 (hg19) VCF-style: chr15-67477160-C-T.
Other names: c.652C>T, p.Arg218Cys (NM_001145102.2); c.835C>T, p.Arg279Cys (NM_001145103.2); c.382C>T, p.Arg128Cys (NM_001145104.2); short protein forms R128C, R218C, R279C, R323C.
Identifiers: ClinVar variation 1332103 (VCV001332103.8), dbSNP rs967072552, ClinGen allele CA272394141.
Genomic context (GRCh38, chr15:67,184,822, plus strand): 5'-GTCTTCGCAGAGTGCCTCAGTGACAGCGCTATTTTTGTCCAGTCTCCCAACTGTAACCAG[C>T]GCTATGGCTGGCACCCGGCCACCGTCTGCAAGATCCCACCAGGTAAACGAGCCGCACAGG-3'
Protein context (NP_005893.1, residues 313-333): IFVQSPNCNQ[Arg323Cys]YGWHPATVCK